The following is an entry in ClinVar:

ClinVar aggregate classification (germline): Benign (1 of 4 stars; one submission).

Allele frequency attached by ClinVar (database versions not stated): 1000 Genomes Project 30x 0.00640; 1000 Genomes Project 0.00699; TOPMed 0.00821; gnomAD 0.01397 and 0.01438.
gnomAD v4.1: 2,107 of 152,200 alleles (1.4%); highest among the groups gnomAD compares: Middle Eastern, 2.7%; 49 homozygotes.

Submission:

GeneDx
Classification: Benign. Last evaluated: 2018-06-19. Review status: criteria provided, single submitter. Criteria: GeneDx Variant Classification (06012015). Collection method: clinical testing. Allele origin: germline. Affected: yes.
Comment: This variant is considered likely benign or benign based on one or more of the following criteria: it is a conservative change, it occurs at a poorly conserved position in the protein, it is predicted to be benign by multiple in silico algorithms, and/or has population frequency not consistent with disease.

NM_001127644.2(GABRA1):c.704-247T>C

Gene: GABRA1 (gamma-aminobutyric acid type A receptor subunit alpha1; plus strand). Cytogenetic location: 5q34.
Variant type: single nucleotide variant.
Coding change: c.704-247T>C on transcript NM_001127644.2 (MANE Select); 247 bases into the intron before coding-DNA position 704, T replaced by C.
Molecular consequence: intron variant.
Genome position (GRCh38, 1-based): chr5:161,890,651, T>C. VCF-style: chr5-161890651-T-C. GRCh37 (hg19) VCF-style: chr5-161317657-T-C.
Other names: c.704-247T>C (NM_000806.5, NM_001127643.2, NM_001127645.2 and 1 more transcripts).
Identifiers: ClinVar variation 677305 (VCV000677305.1), dbSNP rs41275317, ClinGen allele CA131087121.